The following is an entry in ClinVar:

NM_024741.3(ZNF408):c.1878G>C (p.Gln626His)

Gene: ZNF408 (zinc finger protein 408; plus strand). Cytogenetic location: 11p11.2.
Variant type: single nucleotide variant.
Coding change: c.1878G>C on transcript NM_024741.3 (MANE Select); coding-DNA position 1878, G replaced by C.
Protein change: p.Gln626His; replaces glutamine 626 with histidine.
Molecular consequence: missense variant.
Genome position (GRCh38, 1-based): chr11:46,705,578, G>C. VCF-style: chr11-46705578-G-C. GRCh37 (hg19) VCF-style: chr11-46727128-G-C.
Other names: c.1854G>C, p.Gln618His (NM_001184751.2); short protein forms Q626H, Q618H.
Identifiers: ClinVar variation 2990786 (VCV002990786.4), dbSNP rs1285353867, ClinGen allele CA380257718.
Genomic context (GRCh38, chr11:46,705,578, plus strand): 5'-CTACCGCTGCCCCACCTGTGGCATGGGCTACACCCTCCCGCAGAGCCTCAGGCGGCATCA[G>C]CTCAGTCACCGGCCTGAGGCACCCTGCAGCCCACCCTCTGTGCCTTCTGCTGCTTCTGAG-3'
Protein context (NP_079017.1, residues 616-636): YTLPQSLRRH[Gln626His]LSHRPEAPCS

ClinVar aggregate classification (germline): Uncertain significance. Review status: criteria provided, multiple submitters, no conflicts (2 of 4 stars). 2 submissions from 2 submitters: Uncertain significance (2). Last evaluated 2024-05-07.

Allele frequency attached by ClinVar (database versions not stated): TOPMed below 0.00001; gnomAD 0.00001.
gnomAD v4.1: 2 of 1,607,552 alleles (0.00012%); highest among the groups gnomAD compares: African/African-American, 0.0013%; no homozygotes.

Submissions (2):

Blueprint Genetics
Classification: Uncertain significance. Last evaluated: 2024-05-07. Review status: criteria provided, single submitter. Criteria: ACMG Guidelines, 2015. Collection method: clinical testing. Allele origin: germline.

Labcorp Genetics (formerly Invitae), Labcorp
Classification: Uncertain significance. Last evaluated: 2022-11-23. Review status: criteria provided, single submitter. Criteria: Invitae Variant Classification Sherloc (09022015). Collection method: clinical testing. Allele origin: germline.
Comment: This sequence change replaces glutamine, which is neutral and polar, with histidine, which is basic and polar, at codon 626 of the ZNF408 protein (p.Gln626His). In summary, the available evidence is currently insufficient to determine the role of this variant in disease. Therefore, it has been classified as a Variant of Uncertain Significance. This variant is not present in population databases (gnomAD no frequency). This variant has not been reported in the literature in individuals affected with ZNF408-related conditions. Algorithms developed to predict the effect of missense changes on protein structure and function are either unavailable or do not agree on the potential impact of this missense change (SIFT: "Deleterious"; PolyPhen-2: "Possibly Damaging"; Align-GVGD: "Class C0").